The following is an entry in ClinVar:

NM_000540.3(RYR1):c.4910C>T (p.Ala1637Val)

Gene: RYR1 (ryanodine receptor 1; plus strand). Cytogenetic location: 19q13.2.
Variant type: single nucleotide variant.
Coding change: c.4910C>T on transcript NM_000540.3 (MANE Select); coding-DNA position 4910, C replaced by T.
Protein change: p.Ala1637Val; replaces alanine 1637 with valine.
Molecular consequence: missense variant.
Genome position (GRCh38, 1-based): chr19:38,483,492, C>T. VCF-style: chr19-38483492-C-T. GRCh37 (hg19) VCF-style: chr19-38974132-C-T.
Other names: c.4910C>T, p.Ala1637Val (NM_001042723.2); short protein forms A1637V.
Identifiers: ClinVar variation 570955 (VCV000570955.16), dbSNP rs569890286, ClinGen allele CA066509.
Genomic context (GRCh38, chr19:38,483,492, plus strand): 5'-GGCGTGCCGGCGAGCGGCTGGGCTGGGCCGTGCAGTGCCAGGAGCCGCTGACCATGATGG[C>T]GCTGCACATCCCCGAGGAGAACCGGTCAGGGCCAGCCCAGCTATGCAGGGGTGGGCAGGT-3'
Protein context (NP_000531.2, residues 1627-1647): VQCQEPLTMM[Ala1637Val]LHIPEENRCM

ClinVar aggregate classification (germline): Uncertain significance. Review status: criteria provided, multiple submitters, no conflicts (2 of 4 stars). 6 submissions from 6 submitters: Uncertain significance (6). Last evaluated 2026-08-30.

Conditions:
RYR1-related disorder. Also called: RYR1-related condition; RYR1-related disorders. Identifiers: MedGen CN239331.
Congenital multicore myopathy with external ophthalmoplegia (CMYO1B). Also called: Congenital myopathy 1B, autosomal recessive; Minicore myopathy; MULTIMINICORE DISEASE WITH EXTERNAL OPHTHALMOPLEGIA; MULTICORE MYOPATHY; Minicore myopathy with external ophthalmoplegia. Identifiers: Orphanet 598, Orphanet 98905, MedGen C1850674, MONDO:0009712, OMIM 255320, HP:0003789.
Central core myopathy (CMYO1A). Also called: CONGENITAL MYOPATHY 1A, AUTOSOMAL DOMINANT, WITH SUSCEPTIBILITY TO MALIGNANT HYPERTHERMIA; Central core disease; Myopathy, central fibrillar. Identifiers: Orphanet 597, MedGen C5830701, MONDO:0007294, OMIM 117000.
Congenital myopathy with fiber type disproportion. Also called: Congenital fiber-type disproportion; Congenital fiber-type disproportion myopathy. Identifiers: Orphanet 2020, MedGen C0546264, MONDO:0009711. Inheritance: all.
King Denborough syndrome (KDS). Identifiers: MedGen C1840365, MONDO:0020485, OMIM 619542.
Malignant hyperthermia, susceptibility to, 1 (MHS1). Also called: Malignant hyperthermia suceptibility 1; Anesthesia related hyperthermia; Malignant hyperpyrexia; Fulminating hyperpyrexia; Pharmacogenic myopathy; RYR1-Related Malignant Hyperthermia Susceptibility. Identifiers: Orphanet 423, MedGen C2930980, MONDO:0007783, OMIM 145600.

Allele frequency attached by ClinVar (database versions not stated): 1000 Genomes Project 30x 0.00047; gnomAD exomes 0.00002; TOPMed 0.00006; gnomAD 0.00008 and 0.00009; ExAC 0.00019; 1000 Genomes Project 0.00040.
gnomAD v4.1: 35 of 1,555,270 alleles (0.0023%); highest among the groups gnomAD compares: African/African-American, 0.016%; no homozygotes.

Submissions (6):

PreventionGenetics, part of Exact Sciences
Classification: Uncertain significance for RYR1-related condition. Last evaluated: 2026-08-30. Review status: criteria provided, single submitter. Criteria: ACMG Guidelines, 2015. Collection method: clinical testing. Allele origin: germline.
Comment: The RYR1 c.4910C>T variant is predicted to result in the amino acid substitution p.Ala1637Val. This variant was reported along with a second variant in RYR1 in an individual with myogenic signs, myalgia, dyspnea, and psychomotor delay (Supplementary Table S1, Invernizzi et al. 2023. PubMed ID: 37510298). This variant is reported in 0.022% of alleles in individuals of African descent in gnomAD. At this time, the clinical significance of this variant is uncertain due to the absence of conclusive functional and genetic evidence.

GeneDx
Classification: Uncertain significance. Last evaluated: 2025-09-25. Review status: criteria provided, single submitter. Criteria: GeneDx Variant Classification Process June 2021. Collection method: clinical testing. Allele origin: germline. Affected: yes.
Comment: Reported previously with a second variant (phase unknown) in a patient with myalgias, dyspnea, muscle pain, psychomotor delay, and a mild increase in CK (PMID: 37510298); In silico analysis supports that this missense variant has a deleterious effect on protein structure/function; This variant is associated with the following publications: (PMID: 28425981, 37510298)

Labcorp Genetics (formerly Invitae), Labcorp
Classification: Uncertain significance for RYR1-related disorder. Last evaluated: 2025-06-12. Review status: criteria provided, single submitter. Criteria: Invitae Variant Classification Sherloc (09022015). Collection method: clinical testing. Allele origin: germline.
Comment: This sequence change replaces alanine, which is neutral and non-polar, with valine, which is neutral and non-polar, at codon 1637 of the RYR1 protein (p.Ala1637Val). The frequency data for this variant in the population databases is considered unreliable, as metrics indicate poor data quality at this position in the gnomAD database. This missense change has been observed in individual(s) with autosomal recessive RYR1-related conditions (PMID: 37510298). ClinVar contains an entry for this variant (Variation ID: 570955). Invitae Evidence Modeling of protein sequence and biophysical properties (such as structural, functional, and spatial information, amino acid conservation, physicochemical variation, residue mobility, and thermodynamic stability) indicates that this missense variant is not expected to disrupt RYR1 protein function with a negative predictive value of 80%. In summary, the available evidence is currently insufficient to determine the role of this variant in disease. Therefore, it has been classified as a Variant of Uncertain Significance.

All of Us Research Program, National Institutes of Health
Classification: Uncertain significance for Malignant hyperthermia, susceptibility to, 1. Last evaluated: 2024-08-23. Review status: criteria provided, single submitter. Criteria: ACMG Guidelines, 2015. Collection method: clinical testing. Allele origin: germline. Inheritance: Autosomal dominant inheritance. Observed: 9 variant alleles, 9 heterozygotes.
Comment: This missense variant replaces alanine with valine at codon 1637 of the RYR1 protein. Computational prediction tool is inconclusive regarding the impact of this variant on protein structure and function. To our knowledge, functional studies have not been reported for this variant. This variant has not been reported in individuals affected with malignant hyperthermia susceptibility. This variant has been reported in an individual with myopathy and/or chronic elevation of serum creatine kinase, together with another disease-causing variant in the same gene (PMID: 37510298). This variant has been identified in 7/192272 chromosomes in the general population by the Genome Aggregation Database (gnomAD). The available evidence is insufficient to determine the role of this variant in disease conclusively. Therefore, this variant is classified as a Variant of Uncertain Significance.

This study involves interpretation of variants in research participants for the purpose of population health screening. Participant phenotype was not available at the time of variant classification. Additional details can be found in publication PMID: 35346344, PMCID: PMC8962531

Color Diagnostics, LLC DBA Color Health
Classification: Uncertain significance for Malignant hyperthermia, susceptibility to, 1. Last evaluated: 2024-02-12. Review status: criteria provided, single submitter. Criteria: ACMG Guidelines, 2015. Collection method: clinical testing. Allele origin: germline.
Comment: This missense variant replaces alanine with valine at codon 1637 of the RYR1 protein. Computational prediction tool is inconclusive regarding the impact of this variant on protein structure and function. To our knowledge, functional studies have not been reported for this variant. This variant has not been reported in individuals affected with malignant hyperthermia susceptibility. This variant has been reported in an individual with myopathy and/or chronic elevation of serum creatine kinase, together with another disease-causing variant in the same gene (PMID: 37510298). This variant has been identified in 7/192272 chromosomes in the general population by the Genome Aggregation Database (gnomAD). The available evidence is insufficient to determine the role of this variant in disease conclusively. Therefore, this variant is classified as a Variant of Uncertain Significance.

Fulgent Genetics
Classification: Uncertain significance for Central core myopathy; Malignant hyperthermia, susceptibility to, 1; Congenital myopathy 4A, autosomal dominant; Congenital multicore myopathy with external ophthalmoplegia; King Denborough syndrome. Last evaluated: 2022-01-10. Review status: criteria provided, single submitter. Criteria: ACMG Guidelines, 2015. Collection method: clinical testing. Allele origin: unknown.

Literature cited by the submitters: PubMed 37510298 (cited by 3 submitters).